The following is an entry in ClinVar:

NM_001161352.2(KCNMA1):c.1287G>T (p.Leu429=)

Gene: KCNMA1 (potassium calcium-activated channel subfamily M alpha 1; minus strand). Cytogenetic location: 10q22.3.
Variant type: single nucleotide variant.
Coding change: c.1287G>T on transcript NM_001161352.2 (MANE Select); coding-DNA position 1287, G replaced by T.
Protein change: p.Leu429=; no amino-acid change (leucine 429 retained).
Molecular consequence: synonymous variant.
Genome position (GRCh38, 1-based): chr10:77,090,447, C>A on the plus strand (G>T on the coding strand, the complement: KCNMA1 is on the minus strand). VCF-style: chr10-77090447-C-A. GRCh37 (hg19) VCF-style: chr10-78850205-C-A.
Other names: c.1287G>T, p.Leu429= (NM_001014797.3, NM_001161353.2, NM_001271519.2 and 7 more transcripts); c.1125G>T, p.Leu375= (NM_001271518.2); c.747G>T, p.Leu249= (NM_001322838.2).
Identifiers: ClinVar variation 498077 (VCV000498077.34), dbSNP rs147378590, ClinGen allele CA5568490.

ClinVar aggregate classification (germline): Conflicting classifications of pathogenicity. Review status: criteria provided, conflicting classifications (1 of 4 stars). 4 submissions from 4 submitters: Uncertain significance (1); Likely benign (2). 1 of the submissions does not count toward it. Last evaluated 2025-10-21.

Conditions:
Generalized epilepsy-paroxysmal dyskinesia syndrome (PNKD3). Also called: Paroxysmal nonkinesigenic dyskinesia, 3, with or without generalized epilepsy; Generalized epilepsy and paroxysmal dyskinesia. Identifiers: Orphanet 79137, MedGen C5574945, MONDO:0012276, OMIM 609446.
KCNMA1-related disorder. Also called: KCNMA1-related disorders; KCNMA1-related condition.

Allele frequency attached by ClinVar (database versions not stated): gnomAD exomes 0.00002 and 0.00005; ExAC 0.00006; 1000 Genomes Project 30x 0.00016; gnomAD 0.00019 and 0.00021; 1000 Genomes Project 0.00020; ESP Exome Variant Server 0.00023; TOPMed 0.00029.
gnomAD v4.1: 57 of 1,614,078 alleles (0.0035%); highest among the groups gnomAD compares: African/African-American, 0.064%; no homozygotes.

Submissions (4):

Labcorp Genetics (formerly Invitae), Labcorp
Classification: Likely benign for Generalized epilepsy-paroxysmal dyskinesia syndrome. Last evaluated: 2025-10-21. Review status: criteria provided, single submitter. Criteria: Invitae Variant Classification Sherloc (09022015). Collection method: clinical testing. Allele origin: germline.

CeGaT Center for Human Genetics Tuebingen
Classification: Likely benign. Last evaluated: 2024-06-01. Review status: criteria provided, single submitter. Criteria: CeGaT Center For Human Genetics Tuebingen Variant Classification Criteria Version 2. Collection method: clinical testing. Allele origin: germline. Affected: yes. Observed: 1 variant allele.
Comment: KCNMA1: BP4, BP7

Eurofins Ntd Llc (ga)
Classification: Uncertain significance. Last evaluated: 2016-11-15. Review status: criteria provided, single submitter. Criteria: EGL Classification Definitions 2015. Collection method: clinical testing. Allele origin: germline. Observed: 1 variant allele, 1 heterozygote.

PreventionGenetics, part of Exact Sciences
Classification: Likely benign for KCNMA1-related condition. Last evaluated: 2019-07-10. Review status: no assertion criteria provided. Collection method: clinical testing. Allele origin: germline. Not counted in ClinVar's aggregate classification.
Comment: This variant is classified as likely benign based on ACMG/AMP sequence variant interpretation guidelines (Richards et al. 2015 PMID: 25741868, with internal and published modifications).